The following is an entry in ClinVar:

ClinVar aggregate classification (germline): Pathogenic (1 of 4 stars; one submission).

Conditions:
Duchenne muscular dystrophy (DMD). Also called: Duchenne Muscular Dystrophy (DMD); MUSCULAR DYSTROPHY, PSEUDOHYPERTROPHIC PROGRESSIVE, DUCHENNE TYPE. Identifiers: Orphanet 98896, MedGen C0013264, MONDO:0010679, OMIM 310200.

Submission:

Labcorp Genetics (formerly Invitae), Labcorp
Classification: Pathogenic for Duchenne muscular dystrophy. Last evaluated: 2022-08-01. Review status: criteria provided, single submitter. Criteria: Invitae Variant Classification Sherloc (09022015). Collection method: clinical testing. Allele origin: germline.
Comment: For these reasons, this variant has been classified as Pathogenic. This variant has not been reported in the literature in individuals affected with DMD-related conditions. This variant is a gross deletion of the genomic region encompassing exon(s) 8-33 of the DMD gene. This deletion is out-of-frame, and is expected to create a premature termination codon and result in an absent or disrupted protein product. Loss-of-function variants in DMD are known to be pathogenic (PMID: 16770791, 25007885).

Literature cited by the submitters: PubMed 16770791; PubMed 25007885.

NC_000023.10:g.(?_32404407)_(32756908_?)del

Gene: DMD (dystrophin; minus strand). Cytogenetic location: Xp21.1.
Variant type: Deletion.
Identifiers: ClinVar variation 2424939 (VCV002424939.5).